The following is an entry in ClinVar:

NM_012463.4(ATP6V0A2):c.58G>A (p.Gly20Ser)

Genes: ATP6V0A2 (ATPase H+ transporting V0 subunit a2; plus strand), LOC130009117 (ATAC-STARR-seq lymphoblastoid silent region 5049; plus strand). Cytogenetic location: 12q24.31.
Variant type: single nucleotide variant.
Coding change: c.58G>A on transcript NM_012463.4 (MANE Select); coding-DNA position 58, G replaced by A.
Protein change: p.Gly20Ser; replaces glycine 20 with serine.
Molecular consequence: missense variant.
Genome position (GRCh38, 1-based): chr12:123,712,623, G>A. VCF-style: chr12-123712623-G-A. GRCh37 (hg19) VCF-style: chr12-124197170-G-A.
Other names: short protein forms G20S.
Identifiers: ClinVar variation 5009892 (VCV005009892.1).

ClinVar aggregate classification (germline): Uncertain significance (1 of 4 stars; one submission).

gnomAD v4.1: 24 of 1,607,082 alleles (0.0015%); highest among the groups gnomAD compares: South Asian, 0.027%; no homozygotes.

Submission:

GeneDx
Classification: Uncertain significance. Last evaluated: 2026-02-23. Review status: criteria provided, single submitter. Criteria: GeneDx Variant Classification Process June 2021. Collection method: clinical testing. Allele origin: germline.
Comment: In silico analysis suggests that this missense variant does not alter protein structure/function; Has not been previously published as pathogenic or benign to our knowledge